The following is an entry in ClinVar:

ClinVar aggregate classification (germline): Uncertain significance. Review status: criteria provided, multiple submitters, no conflicts (2 of 4 stars). 2 submissions from 2 submitters: Uncertain significance (2). Last evaluated 2025-04-26.

Conditions:
Epilepsy, familial focal, with variable foci 3 (FFEVF3). Identifiers: MedGen C4310708, MONDO:0014925, OMIM 617118.

Submissions (2):

GeneDx
Classification: Uncertain significance. Last evaluated: 2025-04-26. Review status: criteria provided, single submitter. Criteria: GeneDx Variant Classification Process June 2021. Collection method: clinical testing. Allele origin: germline. Affected: yes.
Comment: Not observed at significant frequency in large population cohorts (gnomAD); In silico analysis supports that this missense variant has a deleterious effect on protein structure/function; Has not been previously published as pathogenic or benign to our knowledge

Labcorp Genetics (formerly Invitae), Labcorp
Classification: Uncertain significance for Epilepsy, familial focal, with variable foci 3. Last evaluated: 2024-12-07. Review status: criteria provided, single submitter. Criteria: Invitae Variant Classification Sherloc (09022015). Collection method: clinical testing. Allele origin: germline.
Comment: This sequence change replaces threonine, which is neutral and polar, with isoleucine, which is neutral and non-polar, at codon 289 of the NPRL3 protein (p.Thr289Ile). This variant is not present in population databases (gnomAD no frequency). This variant has not been reported in the literature in individuals affected with NPRL3-related conditions. Invitae Evidence Modeling of protein sequence and biophysical properties (such as structural, functional, and spatial information, amino acid conservation, physicochemical variation, residue mobility, and thermodynamic stability) indicates that this missense variant is not expected to disrupt NPRL3 protein function with a negative predictive value of 80%. In summary, the available evidence is currently insufficient to determine the role of this variant in disease. Therefore, it has been classified as a Variant of Uncertain Significance.

NM_001077350.3(NPRL3):c.866C>T (p.Thr289Ile)

Genes: HBA-LCR (alpha-globin locus control region; plus strand), NPRL3 (NPR3 like, GATOR1 complex subunit; minus strand). Cytogenetic location: 16p13.3.
Variant type: single nucleotide variant.
Coding change: c.866C>T on transcript NM_001077350.3 (MANE Select); coding-DNA position 866, C replaced by T.
Protein change: p.Thr289Ile; replaces threonine 289 with isoleucine.
Molecular consequence: missense variant.
Genome position (GRCh38, 1-based): chr16:98,203, G>A on the plus strand (C>T on the coding strand, the complement: NPRL3 is on the minus strand). VCF-style: chr16-98203-G-A. GRCh37 (hg19) VCF-style: chr16-148201-G-A.
Other names: c.866C>T (NM_001077350.2); c.329C>T, p.Thr110Ile (NM_001039476.3); c.632C>T, p.Thr211Ile (NM_001243247.2); c.791C>T, p.Thr264Ile (NM_001243248.2, NM_001243249.2); short protein forms T110I, T211I, T264I, T289I.
Identifiers: ClinVar variation 3716487 (VCV003716487.3).